The following is an entry in ClinVar:

NM_000155.4(GALT):c.502G>T (p.Val168Leu)

Gene: GALT (galactose-1-phosphate uridylyltransferase; plus strand). Cytogenetic location: 9p13.3.
Variant type: single nucleotide variant.
Coding change: c.502G>T on transcript NM_000155.4 (MANE Select); coding-DNA position 502, G replaced by T.
Protein change: p.Val168Leu; replaces valine 168 with leucine.
Molecular consequence: missense variant.
Genome position (GRCh38, 1-based): chr9:34,647,956, G>T. VCF-style: chr9-34647956-G-T. GRCh37 (hg19) VCF-style: chr9-34647953-G-T.
Other names: c.175G>T, p.Val59Leu (NM_001258332.2); short protein forms V59L.
Identifiers: ClinVar variation 25189 (VCV000025189.20), dbSNP rs367543258, ClinGen allele CA259410.

ClinVar aggregate classification (germline): Pathogenic. Review status: criteria provided, multiple submitters, no conflicts (2 of 4 stars). 6 submissions from 6 submitters: Pathogenic (5). 1 of the submissions does not count toward it. Last evaluated 2026-01-19.

Conditions:
Galactosemia. Also called: Galactose intolerance. Identifiers: Orphanet 352, MedGen C0016952, MONDO:0018116, HP:0004919. Disease mechanism: loss of function.
Deficiency of UDPglucose-hexose-1-phosphate uridylyltransferase. Also called: GALACTOSE-1-PHOSPHATE URIDYLYLTRANSFERASE DEFICIENCY; GALT deficiency; Galactosemia, classic; Transferase Deficiency Galactosemia; GALACTOSEMIA I. Identifiers: Orphanet 352, Orphanet 79239, MedGen C0268151, MONDO:0009258, OMIM 230400.

gnomAD v4.1: 1 of 1,614,232 alleles (0.000062%); no homozygotes.

Submissions (6):

Labcorp Genetics (formerly Invitae), Labcorp
Classification: Pathogenic for Deficiency of UDPglucose-hexose-1-phosphate uridylyltransferase. Last evaluated: 2026-01-19. Review status: criteria provided, single submitter. Criteria: Invitae Variant Classification Sherloc (09022015). Collection method: clinical testing. Allele origin: germline.
Comment: This sequence change replaces valine, which is neutral and non-polar, with leucine, which is neutral and non-polar, at codon 168 of the GALT protein (p.Val168Leu). This variant is not present in population databases (gnomAD no frequency). This missense change has been observed in individual(s) with galactosemia (PMID: 22461411, 24045215). ClinVar contains an entry for this variant (Variation ID: 25189). Invitae Evidence Modeling of protein sequence and biophysical properties (such as structural, functional, and spatial information, amino acid conservation, physicochemical variation, residue mobility, and thermodynamic stability) indicates that this missense variant is expected to disrupt GALT protein function with a positive predictive value of 95%. Experimental studies have shown that this missense change affects GALT function (PMID: 22461411). For these reasons, this variant has been classified as Pathogenic.

Natera, Inc.
Classification: Pathogenic for Galactosemia. Last evaluated: 2024-12-05. Review status: criteria provided, single submitter. Criteria: Natera Variant Classification Schema (03/2026). Collection method: clinical testing. Allele origin: germline.
Comment: The c.502G>T variant in GALT is a missense variant predicted to cause substitution of valine to leucine at amino acid 168. This variant is rare in the general population with a frequency below the threshold expected for the associated phenotype(s). This variant has been observed in one or more individuals affected with the associated recessive disease, as either homozygous or compound heterozygous with a second variant (PMID: 38469090, 24045215, 30172461). Functional studies show that this variant may disrupt protein function (PMID: 30172461). A different variant at the same position has been determined to be Pathogenic or Likely Pathogenic. Computational prediction algorithms indicate this variant is likely to affect gene or protein function. Given the available evidence, this variant is classified as Pathogenic.

Fulgent Genetics
Classification: Pathogenic for Deficiency of UDPglucose-hexose-1-phosphate uridylyltransferase. Last evaluated: 2024-05-29. Review status: criteria provided, single submitter. Criteria: ACMG Guidelines, 2015. Collection method: clinical testing. Allele origin: germline.

Women's Health and Genetics/Laboratory Corporation of America, LabCorp
Classification: Pathogenic for Deficiency of UDPglucose-hexose-1-phosphate uridylyltransferase. Last evaluated: 2024-05-28. Review status: criteria provided, single submitter. Criteria: LabCorp Variant Classification Summary - May 2015. Collection method: clinical testing. Allele origin: germline.
Comment: Variant summary: GALT c.502G>T (p.Val168Leu) results in a conservative amino acid change located in the galactose-1-phosphate uridyl transferase, N-terminal domain (IPR005849) of the encoded protein sequence. Three of five in-silico tools predict a damaging effect of the variant on protein function. The variant was absent in 251446 control chromosomes. c.502G>T has been reported in the literature in the the homozygous and compound heterozygous states in individuals affected with Galactosemia (e.g. Estrada_2013, Tang_2012). These data indicate that the variant is likely to be associated with disease. At least one publication reports experimental evidence that this variant results in absent enzyme activity in vitro (e.g. Tang_2012). The following publications have been ascertained in the context of this evaluation (PMID: 24045215, 22461411). ClinVar contains an entry for this variant (Variation ID: 25189). Based on the evidence outlined above, the variant was classified as pathogenic.

Baylor Genetics
Classification: Pathogenic for Deficiency of UDPglucose-hexose-1-phosphate uridylyltransferase. Last evaluated: 2023-10-23. Review status: criteria provided, single submitter. Criteria: ACMG Guidelines, 2015. Collection method: clinical testing. Allele origin: unknown.

Counsyl
Classification: Likely pathogenic for Deficiency of UDPglucose-hexose-1-phosphate uridylyltransferase. Last evaluated: 2014-07-11. Review status: no assertion criteria provided. Collection method: literature only. Allele origin: unknown. Inheritance: Autosomal recessive inheritance. Not counted in ClinVar's aggregate classification.

Literature cited by the submitters: PubMed 22461411 (cited by 3 submitters); PubMed 24045215 (cited by 4 submitters); PubMed 38469090 (cited by Natera, Inc.); PubMed 30172461 (cited by Natera, Inc.).